The following is an entry in ClinVar:

ClinVar aggregate classification (germline): Uncertain significance (1 of 4 stars; one submission).

Submission:

Labcorp Genetics (formerly Invitae), Labcorp
Classification: Uncertain significance. Last evaluated: 2024-11-08. Review status: criteria provided, single submitter. Criteria: Invitae Variant Classification Sherloc (09022015). Collection method: clinical testing. Allele origin: germline.
Comment: This sequence change replaces asparagine, which is neutral and polar, with serine, which is neutral and polar, at codon 1345 of the ERBIN protein (p.Asn1345Ser). This variant is not present in population databases (gnomAD no frequency). This variant has not been reported in the literature in individuals affected with ERBIN-related conditions. An algorithm developed to predict the effect of missense changes on protein structure and function (PolyPhen-2) suggests that this variant is likely to be disruptive. In summary, the available evidence is currently insufficient to determine the role of this variant in disease. Therefore, it has been classified as a Variant of Uncertain Significance.

NM_001253697.2(ERBIN):c.4034A>G (p.Asn1345Ser)

Gene: ERBIN (erbb2 interacting protein; plus strand). Cytogenetic location: 5q12.3.
Variant type: single nucleotide variant.
Coding change: c.4034A>G on transcript NM_001253697.2 (MANE Select); coding-DNA position 4034, A replaced by G.
Protein change: p.Asn1345Ser; replaces asparagine 1345 with serine.
Molecular consequence: missense variant.
Genome position (GRCh38, 1-based): chr5:66,076,386, A>G. VCF-style: chr5-66076386-A-G. GRCh37 (hg19) VCF-style: chr5-65372214-A-G.
Other names: c.3704A>G, p.Asn1235Ser (NM_001006600.3); c.3911A>G, p.Asn1304Ser (NM_001253698.2, NM_018695.4); c.4055A>G, p.Asn1352Ser (NM_001253699.2); c.3899A>G, p.Asn1300Ser (NM_001253701.2); short protein forms N1345S, N1235S, N1300S, N1352S, N1304S.
Identifiers: ClinVar variation 3693056 (VCV003693056.2).